The following is an entry in ClinVar:

NM_004341.5(CAD):c.314A>G (p.His105Arg)

Gene: CAD (carbamoyl-phosphate synthetase 2, aspartate transcarbamylase, and dihydroorotase; plus strand). Cytogenetic location: 2p23.3.
Variant type: single nucleotide variant.
Coding change: c.314A>G on transcript NM_004341.5 (MANE Select); coding-DNA position 314, A replaced by G.
Protein change: p.His105Arg; replaces histidine 105 with arginine.
Molecular consequence: missense variant.
Genome position (GRCh38, 1-based): chr2:27,221,309, A>G. VCF-style: chr2-27221309-A-G. GRCh37 (hg19) VCF-style: chr2-27444177-A-G.
Other names: c.314A>G, p.His105Arg (NM_001306079.2); c.314A>G (NM_004341.3); short protein forms H105R.
Identifiers: ClinVar variation 1462013 (VCV001462013.4), dbSNP rs1292848938, ClinGen allele CA346197702.
Genomic context (GRCh38, chr2:27,221,309, plus strand): 5'-CACTGGTAGTGGGAGAGTGCTGTCCTACTCCCAGCCACTGGAGTGCCACCCGCACCCTGC[A>G]TGAGTGGCTGCAGCAGCATGGCATCCCTGGCTTGCAAGGTATGGTGGCAAGCAGGGGCAT-3'
Protein context (NP_004332.2, residues 95-115): PSHWSATRTL[His105Arg]EWLQQHGIPG

ClinVar aggregate classification (germline): Uncertain significance. Review status: criteria provided, multiple submitters, no conflicts (2 of 4 stars). 2 submissions from 2 submitters: Uncertain significance (2). Last evaluated 2025-05-14.

Conditions:
Inborn genetic diseases. Identifiers: MedGen C0950123, MeSH D030342.

Allele frequency attached by ClinVar (database versions not stated): gnomAD exomes 0.00001 and 0.00004; TOPMed below 0.00001; gnomAD 0.00001.

Submissions (2):

Ambry Genetics
Classification: Uncertain significance for Inborn genetic diseases. Last evaluated: 2025-05-14. Review status: criteria provided, single submitter. Criteria: Ambry Variant Classification Scheme 2023. Collection method: clinical testing. Allele origin: germline.

Labcorp Genetics (formerly Invitae), Labcorp
Classification: Uncertain significance. Last evaluated: 2022-07-06. Review status: criteria provided, single submitter. Criteria: Invitae Variant Classification Sherloc (09022015). Collection method: clinical testing. Allele origin: germline.
Comment: This sequence change replaces histidine, which is basic and polar, with arginine, which is basic and polar, at codon 105 of the CAD protein (p.His105Arg). This variant is present in population databases (no rsID available, gnomAD 0.003%). This variant has not been reported in the literature in individuals affected with CAD-related conditions. ClinVar contains an entry for this variant (Variation ID: 1462013). Algorithms developed to predict the effect of missense changes on protein structure and function (SIFT, PolyPhen-2, Align-GVGD) all suggest that this variant is likely to be tolerated. Algorithms developed to predict the effect of sequence changes on RNA splicing suggest that this variant may create or strengthen a splice site. In summary, the available evidence is currently insufficient to determine the role of this variant in disease. Therefore, it has been classified as a Variant of Uncertain Significance.